The following is an entry in ClinVar:

ClinVar aggregate classification (germline): Pathogenic (1 of 4 stars; one submission).

Conditions:
Intellectual developmental disorder, autosomal dominant 44, with microcephaly. Also called: Micrognathia-recurrent infections-behavioral abnormalities-mild intellectual disability syndrome; TRIO-Related Intellectual Disability. Identifiers: Orphanet 476126, MedGen C4310740, MONDO:0014892, OMIM 617061.

Allele frequency attached by ClinVar (database versions not stated): gnomAD exomes 0.00001 and below 0.00001; ExAC 0.00001.
gnomAD v4.1: 5 of 1,614,144 alleles (0.00031%); highest among the groups gnomAD compares: Non-Finnish European, 0.00034%; no homozygotes.

Submission:

Labcorp Genetics (formerly Invitae), Labcorp
Classification: Pathogenic. Last evaluated: 2019-09-18. Review status: criteria provided, single submitter. Criteria: Invitae Variant Classification Sherloc (09022015). Collection method: clinical testing. Allele origin: germline.
Comment: For these reasons, this variant has been classified as Pathogenic. Loss-of-function variants in TRIO are known to be pathogenic (PMID: 26721934). This variant has not been reported in the literature in individuals with TRIO-related conditions. The frequency data for this variant in the population databases is considered unreliable, as metrics indicate poor data quality at this position in the ExAC database. This sequence change creates a premature translational stop signal (p.Arg2707*) in the TRIO gene. It is expected to result in an absent or disrupted protein product.

Literature cited by the submitters: PubMed 26721934 (cited by Labcorp Genetics (formerly Invitae), Labcorp).

NM_007118.4(TRIO):c.8119C>T (p.Arg2707Ter)

Genes: TRIO (trio Rho guanine nucleotide exchange factor; plus strand), LOC126807323 (CDK7 strongly-dependent group 2 enhancer GRCh37_chr5:14497716-14498915; plus strand). Cytogenetic location: 5p15.2.
Variant type: single nucleotide variant.
Coding change: c.8119C>T on transcript NM_007118.4 (MANE Select); coding-DNA position 8119, C replaced by T.
Protein change: p.Arg2707Ter; replaces arginine 2707 with a stop codon.
Molecular consequence: nonsense. On other transcripts: non-coding transcript variant (1).
Genome position (GRCh38, 1-based): chr5:14,498,160, C>T. VCF-style: chr5-14498160-C-T. GRCh37 (hg19) VCF-style: chr5-14498269-C-T.
Other names: short protein forms R2707*.
Identifiers: ClinVar variation 936994 (VCV000936994.10), dbSNP rs747166529, ClinGen allele CA3207741.